The following is an entry in ClinVar:

NM_000037.4(ANK1):c.3068G>A (p.Arg1023His)

Gene: ANK1 (ankyrin 1; minus strand). Cytogenetic location: 8p11.21.
Variant type: single nucleotide variant.
Coding change: c.3068G>A on transcript NM_000037.4 (MANE Select); coding-DNA position 3068, G replaced by A.
Protein change: p.Arg1023His; replaces arginine 1023 with histidine.
Molecular consequence: missense variant.
Genome position (GRCh38, 1-based): chr8:41,695,224, C>T on the plus strand (G>A on the coding strand, the complement: ANK1 is on the minus strand). VCF-style: chr8-41695224-C-T. GRCh37 (hg19) VCF-style: chr8-41552742-C-T.
Other names: c.3191G>A, p.Arg1064His (NM_001142446.2); c.3068G>A, p.Arg1023His (NM_020475.3, NM_020476.3, NM_020477.3); short protein forms R1023H, R1064H.
Identifiers: ClinVar variation 3377633 (VCV003377633.1).

ClinVar aggregate classification (germline): Uncertain significance (1 of 4 stars; one submission).

Conditions:
Hereditary spherocytosis type 1. Also called: Spherocytosis type 1; ANK1-Related Spherocytosis. Identifiers: Orphanet 822, MedGen C2674218, MONDO:0008447, OMIM 182900.

gnomAD v4.1: 43 of 1,614,020 alleles (0.0027%); highest among the groups gnomAD compares: Middle Eastern, 0.016%; no homozygotes.

Submission:

Neuberg Centre For Genomic Medicine, NCGM
Classification: Uncertain significance for Hereditary spherocytosis type 1. Last evaluated: 2023-06-22. Review status: criteria provided, single submitter. Criteria: ACMG Guidelines, 2015. Collection method: clinical testing. Allele origin: germline. Inheritance: Autosomal recessive inheritance. Affected: yes.
Comment: The observed missense variant c.3068G>A(p.Arg1023His) in the ANK1 gene has not been reported previously as a pathogenic variant nor as a benign variant, to our knowledge. This variant is reported with the allele frequency 0.002% in the gnomAD Exomes. The amino acid Arg at position 1023 is changed to a His changing protein sequence and it might alter its composition and physico-chemical properties. Multiple lines of computational evidence (Polyphen - Damaging, SIFT - Damaging and MutationTaster - Disease causing) predict a damaging effect on protein structure and function for this variant. The residue is conserved by GERP++ and PhyloP across 100 vertebrates. For these reasons, this variant has been classified as Uncertain Significance.